The following is an entry in ClinVar:

ClinVar aggregate classification (germline): Likely benign. Review status: criteria provided, multiple submitters, no conflicts (2 of 4 stars). 2 submissions from 2 submitters: Likely benign (2). Last evaluated 2024-05-09.

Allele frequency attached by ClinVar (database versions not stated): ExAC 0.00002; gnomAD exomes 0.00002; TOPMed 0.00003; gnomAD 0.00005.
gnomAD v4.1: 37 of 1,613,930 alleles (0.0023%); highest among the groups gnomAD compares: Non-Finnish European, 0.003%; no homozygotes.

Submissions (2):

Labcorp Genetics (formerly Invitae), Labcorp
Classification: Likely benign. Last evaluated: 2024-05-09. Review status: criteria provided, single submitter. Criteria: Invitae Variant Classification Sherloc (09022015). Collection method: clinical testing. Allele origin: germline.

GeneDx
Classification: Likely benign. Last evaluated: 2018-01-12. Review status: criteria provided, single submitter. Criteria: GeneDx Variant Classification (06012015). Collection method: clinical testing. Allele origin: germline. Affected: yes.
Comment: This variant is considered likely benign or benign based on one or more of the following criteria: it is a conservative change, it occurs at a poorly conserved position in the protein, it is predicted to be benign by multiple in silico algorithms, and/or has population frequency not consistent with disease.

NM_020745.4(AARS2):c.2097G>T (p.Val699=)

Gene: AARS2 (alanyl-tRNA synthetase 2, mitochondrial; minus strand). Cytogenetic location: 6p21.1.
Variant type: single nucleotide variant.
Coding change: c.2097G>T on transcript NM_020745.4 (MANE Select); coding-DNA position 2097, G replaced by T.
Protein change: p.Val699=; no amino-acid change (valine 699 retained).
Molecular consequence: synonymous variant.
Genome position (GRCh38, 1-based): chr6:44,303,334, C>A on the plus strand (G>T on the coding strand, the complement: AARS2 is on the minus strand). VCF-style: chr6-44303334-C-A. GRCh37 (hg19) VCF-style: chr6-44271071-C-A.
Identifiers: ClinVar variation 514389 (VCV000514389.5), dbSNP rs779714788, ClinGen allele CA3834108.